The following continues an entry in ClinVar:

NM_014874.4(MFN2):c.1090C>T (p.Arg364Trp)

Gene: MFN2. ClinVar aggregate classification (germline): Pathogenic. Pathogenic (12).

Submissions 13 to 18 of 18:

Genesis Genome Database
Classification: Uncertain significance for Charcot-Marie-Tooth disease. Last evaluated: 2019-08-14. Review status: no assertion criteria provided. Collection method: research. Allele origin: germline. Affected: yes. Not counted in ClinVar's aggregate classification.

Genesis Genome Database
Classification: Uncertain significance for Charcot-Marie-Tooth disease type 4. Last evaluated: 2019-08-14. Review status: no assertion criteria provided. Collection method: research. Allele origin: germline. Affected: yes. Not counted in ClinVar's aggregate classification.

Department of Rehabilitation Medicine, Incheon St. Mary’s Hospital, College of Medicine, The Catholic University of Korea
Classification: Pathogenic for Charcot-Marie-Tooth disease type 2A2. Last evaluated: 2019-02-11. Review status: no assertion criteria provided. Collection method: research. Allele origin: unknown. Inheritance: Autosomal dominant inheritance. Affected: yes. Not counted in ClinVar's aggregate classification.

OMIM
Classification: Pathogenic for NEUROPATHY, HEREDITARY MOTOR AND SENSORY, TYPE VIA. Last evaluated: 2006-08-01. Review status: no assertion criteria provided. Collection method: literature only. Allele origin: germline. Not counted in ClinVar's aggregate classification.

OMIM
Classification: Pathogenic for CHARCOT-MARIE-TOOTH DISEASE, AXONAL, TYPE 2A2A. Last evaluated: 2006-08-01. Review status: no assertion criteria provided. Collection method: literature only. Allele origin: germline. Not counted in ClinVar's aggregate classification.

Northcott Neuroscience Laboratory, ANZAC Research Institute
Classification: Pathogenic for Charcot-Marie-Tooth disease, type 2A2. Review status: no assertion criteria provided. Collection method: not provided. Allele origin: germline. Not counted in ClinVar's aggregate classification.
Comment: Family B
ClinVar note: Converted during submission from pathogenic to Pathogenic.

Literature cited by the submitters: PubMed 16437557 (cited by 6 submitters); PubMed 16835246 (cited by 4 submitters); PubMed 21508331 (cited by 4 submitters); PubMed 21707411 (cited by 4 submitters); PubMed 22206013 (cited by 4 submitters); PubMed 22492563 (cited by 3 submitters); PubMed 25448007 (cited by 5 submitters); PubMed 25802885 (cited by 3 submitters); PubMed 27549087 (cited by 4 submitters); PubMed 28063088 (cited by 6 submitters); PubMed 17444508 (cited by Labcorp Genetics (formerly Invitae), Labcorp and 3billion); PubMed 18996695 (cited by Labcorp Genetics (formerly Invitae), Labcorp); PubMed 20008656 (cited by Labcorp Genetics (formerly Invitae), Labcorp); PubMed 29898954 (cited by 3 submitters); PubMed 22762946 (cited by 3billion and Laboratório de Neurologia Aplicada e Experimental, Faculdade de Medicina de Ribeirao Preto – Universidade de Sao Paulo); PubMed 24819634 (cited by Athena Diagnostics and Genetics and Molecular Pathology, SA Pathology); PubMed 36790232 (cited by Athena Diagnostics); PubMed 37927275 (cited by Athena Diagnostics); PubMed 34366782 (cited by Athena Diagnostics); PubMed 38124143 (cited by Athena Diagnostics); PubMed 20587496 (cited by Athena Diagnostics and Laboratório de Neurologia Aplicada e Experimental, Faculdade de Medicina de Ribeirao Preto – Universidade de Sao Paulo); PubMed 26085578 (cited by Laboratório de Neurologia Aplicada e Experimental, Faculdade de Medicina de Ribeirao Preto – Universidade de Sao Paulo); PubMed 24604904 (cited by Laboratório de Neurologia Aplicada e Experimental, Faculdade de Medicina de Ribeirao Preto – Universidade de Sao Paulo); PubMed 20350294 (cited by Laboratório de Neurologia Aplicada e Experimental, Faculdade de Medicina de Ribeirao Preto – Universidade de Sao Paulo); PubMed 20301684 (cited by Laboratório de Neurologia Aplicada e Experimental, Faculdade de Medicina de Ribeirao Preto – Universidade de Sao Paulo); PubMed 16762064 (cited by Laboratório de Neurologia Aplicada e Experimental, Faculdade de Medicina de Ribeirao Preto – Universidade de Sao Paulo); PubMed 15549395 (cited by Laboratório de Neurologia Aplicada e Experimental, Faculdade de Medicina de Ribeirao Preto – Universidade de Sao Paulo); PubMed 31673878 (cited by CMT Laboratory, Bogazici University).